The following is an entry in ClinVar:

NM_000525.4(KCNJ11):c.174C>T (p.Asp58=)

Gene: KCNJ11 (potassium inwardly rectifying channel subfamily J member 11; minus strand). Cytogenetic location: 11p15.1.
Variant type: single nucleotide variant.
Coding change: c.174C>T on transcript NM_000525.4 (MANE Select); coding-DNA position 174, C replaced by T.
Protein change: p.Asp58=; no amino-acid change (aspartic acid 58 retained).
Molecular consequence: synonymous variant. On other transcripts: intron variant (3).
Genome position (GRCh38, 1-based): chr11:17,387,918, G>A on the plus strand (C>T on the coding strand, the complement: KCNJ11 is on the minus strand). VCF-style: chr11-17387918-G-A. GRCh37 (hg19) VCF-style: chr11-17409465-G-A.
Other names: c.-16-72C>T (NM_001166290.2, NM_001377297.1, NM_001377296.1).
Identifiers: ClinVar variation 1144521 (VCV001144521.10), dbSNP rs1237212288, ClinGen allele CA473515934.

ClinVar aggregate classification (germline): Conflicting classifications of pathogenicity. Review status: criteria provided, conflicting classifications (1 of 4 stars). 2 submissions from 2 submitters: Uncertain significance (1); Likely benign (1). Last evaluated 2023-05-15.

Conditions:
Maturity-onset diabetes of the young (MODY). Also called: Maturity onset diabetes mellitus in young. Identifiers: Orphanet 552, MedGen C0342276, MONDO:0018911, HP:0004904.

Allele frequency attached by ClinVar (database versions not stated): TOPMed below 0.00001; gnomAD 0.00001; gnomAD exomes 0.00001.
gnomAD v4.1: 12 of 1,609,940 alleles (0.00075%); highest among the groups gnomAD compares: Middle Eastern, 0.016%; no homozygotes.

Submissions (2):

Labcorp Genetics (formerly Invitae), Labcorp
Classification: Likely benign. Last evaluated: 2023-05-15. Review status: criteria provided, single submitter. Criteria: Invitae Variant Classification Sherloc (09022015). Collection method: clinical testing. Allele origin: germline.

Clinical Genomics, Uppaluri K&H Personalized Medicine Clinic
Classification: Uncertain significance for Maturity-onset diabetes of the young. Review status: criteria provided, single submitter. Criteria: K & H Uppaluri Personalized Medicine Clinic Variant Classification & Assertion Criteria_Updated V.1. Collection method: research. Allele origin: somatic. Inheritance: Autosomal dominant inheritance.
Comment: Mutations in KCNJ11 gene can cause decreased production and secretion of insulin. This can lead to MODY which may be responsive to oral sulfonylureas. It is also associated with Neonatal Diabetes. However, no sufficient evidence is found to ascertain the role of this particular variant (rs1237212288) in MODY yet.

Literature cited by the submitters: PubMed 26448950 (cited by Clinical Genomics, Uppaluri K&H Personalized Medicine Clinic); PubMed 15580558 (cited by Clinical Genomics, Uppaluri K&H Personalized Medicine Clinic); PubMed 15718250 (cited by Clinical Genomics, Uppaluri K&H Personalized Medicine Clinic); PubMed 32935446 (cited by Clinical Genomics, Uppaluri K&H Personalized Medicine Clinic); PubMed 22701567 (cited by Clinical Genomics, Uppaluri K&H Personalized Medicine Clinic).